The following is an entry in ClinVar:

NM_001378183.1(PIEZO2):c.3155A>T (p.Asn1052Ile)

Gene: PIEZO2 (piezo type mechanosensitive ion channel component 2; minus strand). Cytogenetic location: 18p11.22.
Variant type: single nucleotide variant.
Coding change: c.3155A>T on transcript NM_001378183.1 (MANE Select); coding-DNA position 3155, A replaced by T.
Protein change: p.Asn1052Ile; replaces asparagine 1052 with isoleucine.
Molecular consequence: missense variant.
Genome position (GRCh38, 1-based): chr18:10,762,594, T>A on the plus strand (A>T on the coding strand, the complement: PIEZO2 is on the minus strand). VCF-style: chr18-10762594-T-A. GRCh37 (hg19) VCF-style: chr18-10762592-T-A.
Other names: c.3155A>T, p.Asn1052Ile (NM_001410871.1); c.3080A>T, p.Asn1027Ile (NM_022068.4); short protein forms N1027I, N1052I.
Identifiers: ClinVar variation 4764766 (VCV004764766.1).

ClinVar aggregate classification (germline): Uncertain significance (1 of 4 stars; one submission).

Submission:

Labcorp Genetics (formerly Invitae), Labcorp
Classification: Uncertain significance. Last evaluated: 2025-04-04. Review status: criteria provided, single submitter. Criteria: Invitae Variant Classification Sherloc (09022015). Collection method: clinical testing. Allele origin: germline.
Comment: This sequence change replaces asparagine, which is neutral and polar, with isoleucine, which is neutral and non-polar, at codon 1027 of the PIEZO2 protein (p.Asn1027Ile). This variant is not present in population databases (gnomAD no frequency). This variant has not been reported in the literature in individuals affected with PIEZO2-related conditions. Invitae Evidence Modeling of protein sequence and biophysical properties (such as structural, functional, and spatial information, amino acid conservation, physicochemical variation, residue mobility, and thermodynamic stability) indicates that this missense variant is not expected to disrupt PIEZO2 protein function with a negative predictive value of 80%. In summary, the available evidence is currently insufficient to determine the role of this variant in disease. Therefore, it has been classified as a Variant of Uncertain Significance.